The following is an entry in ClinVar:

NM_003737.4(DCHS1):c.6335A>C (p.Lys2112Thr)

Gene: DCHS1 (dachsous cadherin-related 1; minus strand). Cytogenetic location: 11p15.4.
Variant type: single nucleotide variant.
Coding change: c.6335A>C on transcript NM_003737.4 (MANE Select); coding-DNA position 6335, A replaced by C.
Protein change: p.Lys2112Thr; replaces lysine 2112 with threonine.
Molecular consequence: missense variant.
Genome position (GRCh38, 1-based): chr11:6,626,581, T>G on the plus strand (A>C on the coding strand, the complement: DCHS1 is on the minus strand). VCF-style: chr11-6626581-T-G. GRCh37 (hg19) VCF-style: chr11-6647812-T-G.
Other names: short protein forms K2112T.
Identifiers: ClinVar variation 2089879 (VCV002089879.4), dbSNP rs1855807871, ClinGen allele CA379388346.

ClinVar aggregate classification (germline): Uncertain significance (1 of 4 stars; one submission).

Allele frequency attached by ClinVar (database versions not stated): gnomAD exomes below 0.00001.

Submission:

Labcorp Genetics (formerly Invitae), Labcorp
Classification: Uncertain significance. Last evaluated: 2025-06-12. Review status: criteria provided, single submitter. Criteria: Invitae Variant Classification Sherloc (09022015). Collection method: clinical testing. Allele origin: germline.
Comment: This sequence change replaces lysine, which is basic and polar, with threonine, which is neutral and polar, at codon 2112 of the DCHS1 protein (p.Lys2112Thr). This variant is not present in population databases (gnomAD no frequency). This variant has not been reported in the literature in individuals affected with DCHS1-related conditions. ClinVar contains an entry for this variant (Variation ID: 2089879). Invitae Evidence Modeling of protein sequence and biophysical properties (such as structural, functional, and spatial information, amino acid conservation, physicochemical variation, residue mobility, and thermodynamic stability) indicates that this missense variant is not expected to disrupt DCHS1 protein function with a negative predictive value of 80%. In summary, the available evidence is currently insufficient to determine the role of this variant in disease. Therefore, it has been classified as a Variant of Uncertain Significance.